The following is an entry in ClinVar:

NM_000083.3(CLCN1):c.166G>T (p.Val56Phe)

Gene: CLCN1 (chloride voltage-gated channel 1; plus strand). Cytogenetic location: 7q34.
Variant type: single nucleotide variant.
Coding change: c.166G>T on transcript NM_000083.3 (MANE Select); coding-DNA position 166, G replaced by T.
Protein change: p.Val56Phe; replaces valine 56 with phenylalanine.
Molecular consequence: missense variant. On other transcripts: non-coding transcript variant (1).
Genome position (GRCh38, 1-based): chr7:143,316,378, G>T. VCF-style: chr7-143316378-G-T. GRCh37 (hg19) VCF-style: chr7-143013471-G-T.
Other names: short protein forms V56F.
Identifiers: ClinVar variation 2940940 (VCV002940940.3), dbSNP rs202120426, ClinGen allele CA369677640.
Genomic context (GRCh38, chr7:143,316,378, plus strand): 5'-CCCTCTGAGAATGGGGGCCTCCAGCACAGGCTCCGGAAGGATGCAGGCCCCCGCCACAAC[G>T]TCCACCCCACACAGGTAAAGTGCTCTAAGGGGAGAGGGGAGCCATGGATGAGGGGAGACA-3'
Protein context (NP_000074.3, residues 46-66): LRKDAGPRHN[Val56Phe]HPTQIYGHHK

ClinVar aggregate classification (germline): Uncertain significance (1 of 4 stars; one submission).

Conditions:
Congenital myotonia, autosomal dominant form (THD). Also called: THOMSEN DISEASE; Myotonia congenita autosomal dominant. Identifiers: Orphanet 614, MedGen C2936781, MONDO:0008055, OMIM 160800.
Congenital myotonia, autosomal recessive form. Also called: BECKER DISEASE; Becker Generalized Myotonia; myotonia congenita, autosomal recessive. Identifiers: Orphanet 614, MedGen C0751360, MONDO:0009715, OMIM 255700.

Submission:

Labcorp Genetics (formerly Invitae), Labcorp
Classification: Uncertain significance for Congenital myotonia, autosomal recessive form; Congenital myotonia, autosomal dominant form. Last evaluated: 2024-03-04. Review status: criteria provided, single submitter. Criteria: Invitae Variant Classification Sherloc (09022015). Collection method: clinical testing. Allele origin: germline.
Comment: This sequence change replaces valine, which is neutral and non-polar, with phenylalanine, which is neutral and non-polar, at codon 56 of the CLCN1 protein (p.Val56Phe). This variant is not present in population databases (gnomAD no frequency). This variant has not been reported in the literature in individuals affected with CLCN1-related conditions. Advanced modeling of protein sequence and biophysical properties (such as structural, functional, and spatial information, amino acid conservation, physicochemical variation, residue mobility, and thermodynamic stability) performed at Invitae indicates that this missense variant is not expected to disrupt CLCN1 protein function with a negative predictive value of 95%. In summary, the available evidence is currently insufficient to determine the role of this variant in disease. Therefore, it has been classified as a Variant of Uncertain Significance.